The following is an entry in ClinVar:

ClinVar aggregate classification (germline): Uncertain significance (1 of 4 stars; one submission).

Submission:

GeneDx
Classification: Uncertain significance. Last evaluated: 2026-01-09. Review status: criteria provided, single submitter. Criteria: GeneDx Variant Classification Process June 2021. Collection method: clinical testing. Allele origin: germline.
Comment: Not observed at significant frequency in large population cohorts (gnomAD); In silico analysis supports that this missense variant has a deleterious effect on protein structure/function; Has not been previously published as pathogenic or benign to our knowledge

NM_152296.5(ATP1A3):c.857C>G (p.Thr286Ser)

Gene: ATP1A3 (ATPase Na+/K+ transporting subunit alpha 3; minus strand). Cytogenetic location: 19q13.2.
Variant type: single nucleotide variant.
Coding change: c.857C>G on transcript NM_152296.5 (MANE Select); coding-DNA position 857, C replaced by G.
Protein change: p.Thr286Ser; replaces threonine 286 with serine.
Molecular consequence: missense variant.
Genome position (GRCh38, 1-based): chr19:41,985,054, G>C on the plus strand (C>G on the coding strand, the complement: ATP1A3 is on the minus strand). VCF-style: chr19-41985054-G-C. GRCh37 (hg19) VCF-style: chr19-42489206-G-C.
Other names: c.890C>G, p.Thr297Ser (NM_001256213.2); c.896C>G, p.Thr299Ser (NM_001256214.2); short protein forms T286S, T297S, T299S.
Identifiers: ClinVar variation 3365987 (VCV003365987.2).